The following is an entry in ClinVar:

NM_003482.4(KMT2D):c.2800C>T (p.Pro934Ser)

Gene: KMT2D (lysine methyltransferase 2D; minus strand). Cytogenetic location: 12q13.12.
Variant type: single nucleotide variant.
Coding change: c.2800C>T on transcript NM_003482.4 (MANE Select); coding-DNA position 2800, C replaced by T.
Protein change: p.Pro934Ser; replaces proline 934 with serine.
Molecular consequence: missense variant.
Genome position (GRCh38, 1-based): chr12:49,050,788, G>A on the plus strand (C>T on the coding strand, the complement: KMT2D is on the minus strand). VCF-style: chr12-49050788-G-A. GRCh37 (hg19) VCF-style: chr12-49444571-G-A.
Other names: short protein forms P934S.
Identifiers: ClinVar variation 2074551 (VCV002074551.4), dbSNP rs1479761858, ClinGen allele CA384661342.

ClinVar aggregate classification (germline): Uncertain significance (1 of 4 stars; one submission).

Conditions:
Kabuki syndrome. Also called: Kabuki make-up syndrome; NIIKAWA-KUROKI SYNDROME. Identifiers: Orphanet 2322, MedGen C0796004, MONDO:0016512.

Submission:

Labcorp Genetics (formerly Invitae), Labcorp
Classification: Uncertain significance for Kabuki syndrome. Last evaluated: 2022-07-11. Review status: criteria provided, single submitter. Criteria: Invitae Variant Classification Sherloc (09022015). Collection method: clinical testing. Allele origin: germline.
Comment: In summary, the available evidence is currently insufficient to determine the role of this variant in disease. Therefore, it has been classified as a Variant of Uncertain Significance. Algorithms developed to predict the effect of missense changes on protein structure and function are either unavailable or do not agree on the potential impact of this missense change (SIFT: "Deleterious"; PolyPhen-2: "Not Available"; Align-GVGD: "Class C0"). This variant has not been reported in the literature in individuals affected with KMT2D-related conditions. The frequency data for this variant in the population databases is considered unreliable, as metrics indicate poor data quality at this position in the gnomAD database. This sequence change replaces proline, which is neutral and non-polar, with serine, which is neutral and polar, at codon 934 of the KMT2D protein (p.Pro934Ser).